The following is an entry in ClinVar:

NM_012156.2(EPB41L1):c.2560C>T (p.Pro854Ser)

Gene: EPB41L1 (erythrocyte membrane protein band 4.1 like 1; plus strand). Cytogenetic location: 20q11.23.
Variant type: single nucleotide variant.
Coding change: c.2560C>T on transcript NM_012156.2 (MANE Select); coding-DNA position 2560, C replaced by T.
Protein change: p.Pro854Ser; replaces proline 854 with serine.
Molecular consequence: missense variant.
Genome position (GRCh38, 1-based): chr20:36,222,317, C>T. VCF-style: chr20-36222317-C-T. GRCh37 (hg19) VCF-style: chr20-34810239-C-T.
Other names: c.2557C>T, p.Pro853Ser (NM_001258329.1); c.2020C>T, p.Pro674Ser (NM_001258330.1); c.2254C>T, p.Pro752Ser (NM_001258331.2, NM_177996.2); short protein forms P854S, P752S, P853S, P674S.
Identifiers: ClinVar variation 30281 (VCV000030281.3), dbSNP rs1569376434, ClinGen allele CA408802902.

ClinVar aggregate classification (germline): no classifications from unflagged records (0 of 4 stars; one submission).

Conditions:
Intellectual disability, autosomal dominant 11. Identifiers: MedGen C3280285, MONDO:0013658, OMIM 614257.

Submission:

OMIM
Classification: Pathogenic for INTELLECTUAL DEVELOPMENTAL DISORDER, AUTOSOMAL DOMINANT 11 (1 patient). Last evaluated: 2011-03-11. Review status: flagged submission. Collection method: literature only. Allele origin: germline.
ClinVar note: Notes: Flagging candidate with reason of insufficient supporting evidence. This gene has been classified as having a limited gene-disease relationship by a ClinGen Expert Panel.
ClinVar note: Reason: Other

Literature cited by the submitters: PubMed 21376300; PubMed 19503082; PubMed 11050113.